The following is an entry in ClinVar:

NM_001349253.2(SCN11A):c.36T>A (p.Asp12Glu)

Gene: SCN11A (sodium voltage-gated channel alpha subunit 11; minus strand). Cytogenetic location: 3p22.2.
Variant type: single nucleotide variant.
Coding change: c.36T>A on transcript NM_001349253.2 (MANE Select); coding-DNA position 36, T replaced by A.
Protein change: p.Asp12Glu; replaces aspartic acid 12 with glutamic acid.
Molecular consequence: missense variant.
Genome position (GRCh38, 1-based): chr3:38,950,327, A>T on the plus strand (T>A on the coding strand, the complement: SCN11A is on the minus strand). VCF-style: chr3-38950327-A-T. GRCh37 (hg19) VCF-style: chr3-38991818-A-T.
Other names: c.36T>A (NM_014139.2); c.36T>A, p.Asp12Glu (NM_014139.3); short protein forms D12E.
Identifiers: ClinVar variation 1483840 (VCV001483840.9), dbSNP rs1385002411, ClinGen allele CA352176939.

ClinVar aggregate classification (germline): Uncertain significance. Review status: criteria provided, multiple submitters, no conflicts (2 of 4 stars). 2 submissions from 2 submitters: Uncertain significance (2). Last evaluated 2025-08-02.

Conditions:
Hereditary sensory and autonomic neuropathy type 7. Also called: HSAN VII; Neuropathy, hereditary sensory and autonomic, type VII. Identifiers: Orphanet 391397, MedGen C3809882, MONDO:0014244, OMIM 615548.
Familial episodic pain syndrome with predominantly lower limb involvement. Also called: Episodic pain syndrome, familial, 3. Identifiers: Orphanet 391384, Orphanet 391392, MedGen C3809899, MONDO:0014247, OMIM 615552.

Allele frequency attached by ClinVar (database versions not stated): gnomAD exomes below 0.00001; TOPMed below 0.00001; gnomAD 0.00001.
gnomAD v4.1: 5 of 1,613,850 alleles (0.00031%); highest among the groups gnomAD compares: Non-Finnish European, 0.00042%; no homozygotes.

Submissions (2):

GeneDx
Classification: Uncertain significance. Last evaluated: 2025-08-02. Review status: criteria provided, single submitter. Criteria: GeneDx Variant Classification Process June 2021. Collection method: clinical testing. Allele origin: germline. Affected: yes.
Comment: Not observed at significant frequency in large population cohorts (gnomAD); In silico analysis suggests that this missense variant does not alter protein structure/function; Has not been previously published as pathogenic or benign to our knowledge

Labcorp Genetics (formerly Invitae), Labcorp
Classification: Uncertain significance for Familial episodic pain syndrome with predominantly lower limb involvement; Hereditary sensory and autonomic neuropathy type 7. Last evaluated: 2023-03-10. Review status: criteria provided, single submitter. Criteria: Invitae Variant Classification Sherloc (09022015). Collection method: clinical testing. Allele origin: germline.
Comment: In summary, the available evidence is currently insufficient to determine the role of this variant in disease. Therefore, it has been classified as a Variant of Uncertain Significance. Advanced modeling of protein sequence and biophysical properties (such as structural, functional, and spatial information, amino acid conservation, physicochemical variation, residue mobility, and thermodynamic stability) performed at Invitae indicates that this missense variant is not expected to disrupt SCN11A protein function. ClinVar contains an entry for this variant (Variation ID: 1483840). This variant has not been reported in the literature in individuals affected with SCN11A-related conditions. This variant is not present in population databases (gnomAD no frequency). This sequence change replaces aspartic acid, which is acidic and polar, with glutamic acid, which is acidic and polar, at codon 12 of the SCN11A protein (p.Asp12Glu).